The following is an entry in ClinVar:

ClinVar aggregate classification (germline): Likely benign. Review status: criteria provided, multiple submitters, no conflicts (2 of 4 stars). 3 submissions from 3 submitters: Likely benign (2). 1 of the submissions does not count toward it. Last evaluated 2025-10-12.

Conditions:
LRBA-related disorder. Also called: LRBA-related condition.
Combined immunodeficiency due to LRBA deficiency. Also called: Common variable immunodeficiency 8, with autoimmunity. Identifiers: Orphanet 445018, MedGen C3553512, MONDO:0013863, OMIM 614700.

Allele frequency attached by ClinVar (database versions not stated): gnomAD 0.00007; gnomAD exomes 0.00007 and 0.00009; ESP Exome Variant Server 0.00008; TOPMed 0.00009; ExAC 0.00011.
gnomAD v4.1: 114 of 1,613,126 alleles (0.0071%); highest among the groups gnomAD compares: Non-Finnish European, 0.0089%; no homozygotes.

Submissions (3):

Labcorp Genetics (formerly Invitae), Labcorp
Classification: Likely benign for Combined immunodeficiency due to LRBA deficiency. Last evaluated: 2025-10-12. Review status: criteria provided, single submitter. Criteria: Invitae Variant Classification Sherloc (09022015). Collection method: clinical testing. Allele origin: germline.

Blueprint Genetics
Classification: Likely benign. Last evaluated: 2024-03-27. Review status: criteria provided, single submitter. Criteria: ACMG Guidelines, 2015. Collection method: clinical testing. Allele origin: germline.

PreventionGenetics, part of Exact Sciences
Classification: Likely benign for LRBA-related condition. Last evaluated: 2019-03-04. Review status: no assertion criteria provided. Collection method: clinical testing. Allele origin: germline. Not counted in ClinVar's aggregate classification.
Comment: This variant is classified as likely benign based on ACMG/AMP sequence variant interpretation guidelines (Richards et al. 2015 PMID: 25741868, with internal and published modifications).

NM_001364905.1(LRBA):c.4377A>G (p.Gln1459=)

Gene: LRBA (LPS responsive beige-like anchor protein; minus strand). Cytogenetic location: 4q31.3.
Variant type: single nucleotide variant.
Coding change: c.4377A>G on transcript NM_001364905.1 (MANE Select); coding-DNA position 4377, A replaced by G.
Protein change: p.Gln1459=; no amino-acid change (glutamine 1459 retained).
Molecular consequence: synonymous variant.
Genome position (GRCh38, 1-based): chr4:150,844,742, T>C on the plus strand (A>G on the coding strand, the complement: LRBA is on the minus strand). VCF-style: chr4-150844742-T-C. GRCh37 (hg19) VCF-style: chr4-151765894-T-C.
Other names: c.4377A>G, p.Gln1459= (NM_001199282.3, NM_001367550.1, NM_006726.5).
Identifiers: ClinVar variation 725384 (VCV000725384.13), dbSNP rs373062327, ClinGen allele CA3102805.
Genomic context (GRCh38, chr4:150,844,742, plus strand): 5'-AATAAGGCTATGCATTGGTTTCAAGGCTTTATCTCCCCTAGTTTTCAGTTGTGAATGCTG[T>C]TGACACTCCAAGCAATTCCTTACTGCGACTGCACAAACTGTAATTTATTTTAAGGAAAAG-3'
Protein context (NP_001351834.1, residues 1449-1469): AVAVRNCLEC[Gln1459=]QHSQLKTRGD